The following is an entry in ClinVar:

ClinVar aggregate classification (germline): Pathogenic/Likely pathogenic. Review status: criteria provided, multiple submitters, no conflicts (2 of 4 stars). 2 submissions from 2 submitters: Pathogenic (1); Likely pathogenic (1). Last evaluated 2025-07-08.

Conditions:
Mucopolysaccharidosis, MPS-II (MPS2). Also called: Attenuated MPS (subtype; formerly known as mild MPS II); Severe MPS II; I2S deficiency; MPS 2; Hunter Syndrome; IDURONATE 2-SULFATASE DEFICIENCY. Identifiers: Orphanet 580, Orphanet 79388, MedGen C0026705, MONDO:0010674, OMIM 309900.
Mucopolysaccharidosis, MPS-III-A (MPS3A). Also called: Mucopolysaccharidosis, type IIIA; MPS IIIA (Sanfilippo Syndrome Type A); MPS III A; SANFILIPPO SYNDROME A; SULFAMIDASE DEFICIENCY; Mucopolysaccharidosis type IIIA (Sanfilippo A). Identifiers: Orphanet 581, Orphanet 79269, MedGen C0086647, MONDO:0009655, OMIM 252900.

Submissions (2):

Natera, Inc.
Classification: Likely pathogenic for Mucopolysaccharidosis type IIIA. Last evaluated: 2025-07-08. Review status: criteria provided, single submitter. Criteria: Natera Variant Classification Schema (03/2026). Collection method: clinical testing. Allele origin: germline.
Comment: The c.1478G>C variant in IDS is a missense variant predicted to cause substitution of arginine to proline at amino acid 493. This variant is rare in the general population with a frequency below the threshold expected for the associated phenotype(s). This variant has been observed in affected individual(s) with monoallelic occurrence (heterozygous/hemizygous) (PMID: 22976768, 24515576, 30809705, 31877959). This variant has been observed to segregate in affected family members (PMID: 22976768, 24515576). Computational prediction algorithms indicate this variant is likely to affect gene or protein function. Given the available evidence, this variant is classified as Likely Pathogenic.

Laboratory of Diagnosis and Therapy of Lysosomal Disorders, University of Padova
Classification: Pathogenic for Mucopolysaccharidosis, MPS-II. Last evaluated: 2024-06-07. Review status: criteria provided, single submitter. Criteria: ACMG Guidelines, 2015. Collection method: literature only. Allele origin: germline. Affected: yes. Observed: 6 variant alleles.
Comment: Prevalence of the variant significantly increased in affected individuals compared with controls (PS4_Supporting), Absent from controls (or at low frequency) in gnomAD database (PM2_Moderate), Cosegregation with disease in multiple affected family members (PP1_Moderate), Missense variant in a gene with a low rate of benign missense variation (PP2_Supporting), Multiple lines of computational evidence support a deleterious effect (PP3_Supporting), Patient’s phenotype or family history highly specific for the disease (PP4_Strong)

Classification method: ACMG Guidelines [PMID:25741868] with modifications

Literature cited by the submitters: PubMed 22976768 (cited by Natera, Inc. and Laboratory of Diagnosis and Therapy of Lysosomal Disorders, University of Padova); PubMed 24515576 (cited by Natera, Inc. and Laboratory of Diagnosis and Therapy of Lysosomal Disorders, University of Padova); PubMed 30809705 (cited by Natera, Inc. and Laboratory of Diagnosis and Therapy of Lysosomal Disorders, University of Padova); PubMed 31877959 (cited by Natera, Inc. and Laboratory of Diagnosis and Therapy of Lysosomal Disorders, University of Padova); PubMed 21834048 (cited by Laboratory of Diagnosis and Therapy of Lysosomal Disorders, University of Padova).

NM_000202.8(IDS):c.1478G>C (p.Arg493Pro)

Gene: IDS (iduronate 2-sulfatase; minus strand). Cytogenetic location: Xq28.
Variant type: single nucleotide variant.
Coding change: c.1478G>C on transcript NM_000202.8 (MANE Select); coding-DNA position 1478, G replaced by C.
Protein change: p.Arg493Pro; replaces arginine 493 with proline.
Molecular consequence: missense variant.
Genome position (GRCh38, 1-based): chrX:149,482,921, C>G on the plus strand (G>C on the coding strand, the complement: IDS is on the minus strand). VCF-style: chrX-149482921-C-G. GRCh37 (hg19) VCF-style: chrX-148564452-C-G.
Other names: c.1208G>C, p.Arg403Pro (NM_001166550.4); short protein forms R493P, R403P.
Identifiers: ClinVar variation 638085 (VCV000638085.4), dbSNP rs782347729, ClinGen allele CA414518002.